The following is an entry in ClinVar:

ClinVar aggregate classification (germline): Uncertain significance (1 of 4 stars; one submission).

Submission:

Ambry Genetics
Classification: Uncertain significance. Last evaluated: 2026-08-25. Review status: criteria provided, single submitter. Criteria: Ambry Variant Classification Scheme 2023. Collection method: clinical testing. Allele origin: germline.
Comment: The p.L80P variant (also known as c.239T>C), located in coding exon 3 of the SRP72 gene, results from a T to C substitution at nucleotide position 239. The leucine at codon 80 is replaced by proline, an amino acid with similar properties. This amino acid position is conserved. In addition, this alteration is predicted to be deleterious by in silico analysis. Based on the available evidence, the clinical significance of this variant remains unclear.

NM_006947.4(SRP72):c.239T>C (p.Leu80Pro)

Gene: SRP72 (signal recognition particle 72; plus strand). Cytogenetic location: 4q12.
Variant type: single nucleotide variant.
Coding change: c.239T>C on transcript NM_006947.4 (MANE Select); coding-DNA position 239, T replaced by C.
Protein change: p.Leu80Pro; replaces leucine 80 with proline.
Molecular consequence: missense variant. On other transcripts: non-coding transcript variant (1).
Genome position (GRCh38, 1-based): chr4:56,471,728, T>C. VCF-style: chr4-56471728-T-C. GRCh37 (hg19) VCF-style: chr4-57337894-T-C.
Other names: c.239T>C, p.Leu80Pro (NM_001267722.2); short protein forms L80P.
Identifiers: ClinVar variation 5030258 (VCV005030258.1).